The following is an entry in ClinVar:

NM_001127511.3(APC):c.-183G>A

Genes: APC (APC regulator of Wnt signaling pathway; plus strand), LOC129994371 (ATAC-STARR-seq lymphoblastoid active region 22910; plus strand). Cytogenetic location: 5q22.2.
Variant type: single nucleotide variant.
Coding change: c.-183G>A on transcript NM_001127511.3; 183 bases upstream of the start codon, G replaced by A.
Molecular consequence: 5 prime UTR variant. On other transcripts: non-coding transcript variant (2).
Genome position (GRCh38, 1-based): chr5:112,707,535, G>A. VCF-style: chr5-112707535-G-A. GRCh37 (hg19) VCF-style: chr5-112043232-G-A.
Other names: c.-366G>A (NM_001354895.2, NM_001407447.1, NM_001407452.1 and 3 more transcripts); c.-183G>A (NM_001354897.2, NM_001354902.2, NM_001407446.1); c.-133G>A (NM_001407448.1, NM_001407450.1, NM_001407457.1 and 1 more transcripts); c.-157G>A (NM_001407453.1); c.-1401G>A (NM_001407470.1, NM_001407472.1).
Identifiers: ClinVar variation 651354 (VCV000651354.10), dbSNP rs892252479, ClinGen allele CA124924855.

ClinVar aggregate classification (germline): Uncertain significance (1 of 4 stars; one submission).

Conditions:
Familial adenomatous polyposis 1 (FAP1). Also called: FAMILIAL ADENOMATOUS POLYPOSIS 1, ATTENUATED; POLYPOSIS, ADENOMATOUS INTESTINAL. Identifiers: MedGen C2713442, MONDO:0021056, OMIM 175100. Disease mechanism: loss of function.

Allele frequency attached by ClinVar (database versions not stated): gnomAD exomes 0.00001; gnomAD 0.00001; TOPMed 0.00001.
gnomAD v4.1: 2 of 499,682 alleles (0.0004%); highest among the groups gnomAD compares: Admixed American, 0.0032%; no homozygotes.

Submission:

Labcorp Genetics (formerly Invitae), Labcorp
Classification: Uncertain significance for Familial adenomatous polyposis 1. Last evaluated: 2026-01-26. Review status: criteria provided, single submitter. Criteria: Invitae Variant Classification Sherloc (09022015). Collection method: clinical testing. Allele origin: germline.
Comment: This variant occurs in a non-coding region of the APC gene. It does not change the encoded amino acid sequence of the APC protein. This variant is not present in population databases (gnomAD no frequency). This variant has not been reported in the literature in individuals affected with APC-related conditions. ClinVar contains an entry for this variant (Variation ID: 651354). Experimental studies and prediction algorithms are not available or were not evaluated, and the functional significance of this variant is currently unknown. In summary, the available evidence is currently insufficient to determine the role of this variant in disease. Therefore, it has been classified as a Variant of Uncertain Significance.